The following is an entry in ClinVar:

NM_000059.4(BRCA2):c.7617+3A>G

Gene: BRCA2 (BRCA2 DNA repair associated; plus strand). Cytogenetic location: 13q13.1.
Variant type: single nucleotide variant.
Coding change: c.7617+3A>G on transcript NM_000059.4 (MANE Select); 3 bases into the intron after coding-DNA position 7617, A replaced by G.
Molecular consequence: intron variant.
Genome position (GRCh38, 1-based): chr13:32,356,612, A>G. VCF-style: chr13-32356612-A-G. GRCh37 (hg19) VCF-style: chr13-32930749-A-G.
Identifiers: ClinVar variation 1759820 (VCV001759820.2), dbSNP rs1206148876, ClinGen allele CA609453974.

ClinVar aggregate classification (germline): Uncertain significance (1 of 4 stars; one submission).

Conditions:
Hereditary cancer-predisposing syndrome. Also called: Neoplastic Syndromes, Hereditary; Tumor predisposition; Hereditary Cancer Syndrome; Hereditary neoplastic syndrome. Identifiers: Orphanet 140162, MedGen C0027672, MeSH D009386, MONDO:0015356.

Allele frequency attached by ClinVar (database versions not stated): gnomAD exomes below 0.00001.
gnomAD v4.1: 2 of 1,613,904 alleles (0.00012%); highest among the groups gnomAD compares: Non-Finnish European, 0.000085%; no homozygotes.

Submission:

Ambry Genetics
Classification: Uncertain significance for Hereditary cancer-predisposing syndrome. Last evaluated: 2020-09-25. Review status: criteria provided, single submitter. Criteria: Ambry Variant Classification Scheme 2023. Collection method: clinical testing. Allele origin: germline.
Comment: The c.7617+3A>G intronic variant results from an A to G substitution 3 nucleotides after coding exon 14 in the BRCA2 gene. This nucleotide position is well conserved in available vertebrate species. In silico splice site analysis for this alteration is inconclusive. Since supporting evidence is limited at this time, the clinical significance of this alteration remains unclear.